The following is an entry in ClinVar:

ClinVar aggregate classification (germline): Uncertain significance (1 of 4 stars; one submission).

Submission:

Labcorp Genetics (formerly Invitae), Labcorp
Classification: Uncertain significance. Last evaluated: 2022-05-27. Review status: criteria provided, single submitter. Criteria: Invitae Variant Classification Sherloc (09022015). Collection method: clinical testing. Allele origin: germline.
Comment: This sequence change replaces glutamine, which is neutral and polar, with arginine, which is basic and polar, at codon 215 of the HOGA1 protein (p.Gln215Arg). This variant is not present in population databases (gnomAD no frequency). This variant has not been reported in the literature in individuals affected with HOGA1-related conditions. Algorithms developed to predict the effect of missense changes on protein structure and function (SIFT, PolyPhen-2, Align-GVGD) all suggest that this variant is likely to be tolerated. In summary, the available evidence is currently insufficient to determine the role of this variant in disease. Therefore, it has been classified as a Variant of Uncertain Significance.

NM_138413.4(HOGA1):c.644A>G (p.Gln215Arg)

Gene: HOGA1 (4-hydroxy-2-oxoglutarate aldolase 1; plus strand). Cytogenetic location: 10q24.2.
Variant type: single nucleotide variant.
Coding change: c.644A>G on transcript NM_138413.4 (MANE Select); coding-DNA position 644, A replaced by G.
Protein change: p.Gln215Arg; replaces glutamine 215 with arginine.
Molecular consequence: missense variant. On other transcripts: intron variant (1).
Genome position (GRCh38, 1-based): chr10:97,600,107, A>G. VCF-style: chr10-97600107-A-G. GRCh37 (hg19) VCF-style: chr10-99359864-A-G.
Other names: c.212-1750A>G (NM_001134670.2); short protein forms Q215R.
Identifiers: ClinVar variation 1999574 (VCV001999574.4), dbSNP rs2540076268, ClinGen allele CA377979493.